The following is an entry in ClinVar:

NM_133642.5(LARGE1):c.140C>T (p.Ser47Phe)

Gene: LARGE1 (LARGE xylosyl- and glucuronyltransferase 1; minus strand). Cytogenetic location: 22q12.3.
Variant type: single nucleotide variant.
Coding change: c.140C>T on transcript NM_133642.5 (MANE Select); coding-DNA position 140, C replaced by T.
Protein change: p.Ser47Phe; replaces serine 47 with phenylalanine.
Molecular consequence: missense variant.
Genome position (GRCh38, 1-based): chr22:33,650,635, G>A on the plus strand (C>T on the coding strand, the complement: LARGE1 is on the minus strand). VCF-style: chr22-33650635-G-A. GRCh37 (hg19) VCF-style: chr22-34046621-G-A.
Other names: c.140C>T, p.Ser47Phe (NM_001362949.2, NM_001362951.2, NM_001362953.2 and 7 more transcripts); short protein forms S47F.
Identifiers: ClinVar variation 1501530 (VCV001501530.8), dbSNP rs1427588155, ClinGen allele CA411546543.

ClinVar aggregate classification (germline): Uncertain significance (1 of 4 stars; one submission).

Conditions:
Muscular dystrophy-dystroglycanopathy type B6 (MDDGB6). Also called: MUSCULAR DYSTROPHY-DYSTROGLYCANOPATHY (CONGENITAL WITH IMPAIRED INTELLECTUAL DEVELOPMENT), TYPE B, 6; MUSCULAR DYSTROPHY, CONGENITAL, LARGE-RELATED; MUSCULAR DYSTROPHY, CONGENITAL, TYPE 1D. Identifiers: MedGen C1837229, MONDO:0012138, OMIM 608840.

Submission:

Labcorp Genetics (formerly Invitae), Labcorp
Classification: Uncertain significance for Muscular dystrophy-dystroglycanopathy type B6. Last evaluated: 2023-07-07. Review status: criteria provided, single submitter. Criteria: Invitae Variant Classification Sherloc (09022015). Collection method: clinical testing. Allele origin: germline.
Comment: This sequence change replaces serine, which is neutral and polar, with phenylalanine, which is neutral and non-polar, at codon 47 of the LARGE1 protein (p.Ser47Phe). In summary, the available evidence is currently insufficient to determine the role of this variant in disease. Therefore, it has been classified as a Variant of Uncertain Significance. An algorithm developed to predict the effect of missense changes on protein structure and function (PolyPhen-2) suggests that this variant is likely to be tolerated. ClinVar contains an entry for this variant (Variation ID: 1501530). This variant has not been reported in the literature in individuals affected with LARGE1-related conditions. This variant is not present in population databases (gnomAD no frequency).